The following is an entry in ClinVar:

ClinVar aggregate classification (germline): Conflicting classifications of pathogenicity. Review status: criteria provided, conflicting classifications (1 of 4 stars). 4 submissions from 4 submitters: Uncertain significance (3); Likely benign (1). Last evaluated 2026-04-15.

Conditions:
Inborn genetic diseases. Identifiers: MedGen C0950123, MeSH D030342.
Dystonia 16 (DYT16). Also called: DYT-PRKRA. Identifiers: Orphanet 210571, MedGen C2677567, MONDO:0012789, OMIM 612067.

Allele frequency attached by ClinVar (database versions not stated): gnomAD exomes 0.00005 and 0.00014; gnomAD 0.00007 and 0.00006; ESP Exome Variant Server 0.00008; ExAC 0.00014; TOPMed 0.00008.
gnomAD v4.1: 101 of 1,614,200 alleles (0.0063%); highest among the groups gnomAD compares: East Asian, 0.038%; 1 homozygote.

Submissions (4):

GeneDx
Classification: Uncertain significance. Last evaluated: 2026-04-15. Review status: criteria provided, single submitter. Criteria: GeneDx Variant Classification Process June 2021. Collection method: clinical testing. Allele origin: germline.
Comment: In silico analysis suggests that this missense variant does not alter protein structure/function; Has not been previously published as pathogenic or benign to our knowledge

Ambry Genetics
Classification: Uncertain significance for Inborn genetic diseases. Last evaluated: 2025-06-03. Review status: criteria provided, single submitter. Criteria: Ambry Variant Classification Scheme 2023. Collection method: clinical testing. Allele origin: germline.

Labcorp Genetics (formerly Invitae), Labcorp
Classification: Likely benign for Dystonia 16. Last evaluated: 2024-12-24. Review status: criteria provided, single submitter. Criteria: Invitae Variant Classification Sherloc (09022015). Collection method: clinical testing. Allele origin: germline.

Illumina Laboratory Services, Illumina
Classification: Uncertain significance for Dystonia 16. Last evaluated: 2018-01-13. Review status: criteria provided, single submitter. Criteria: ICSL Variant Classification Criteria 13 December 2019. Collection method: clinical testing. Allele origin: germline.

NM_003690.5(PRKRA):c.796G>A (p.Ala266Thr)

Genes: CHROMR (cholesterol induced regulator of metabolism RNA; plus strand), PRKRA (protein activator of interferon induced protein kinase EIF2AK2; minus strand). Cytogenetic location: 2q31.2.
Variant type: single nucleotide variant.
Coding change: c.796G>A on transcript NM_003690.5 (MANE Select); coding-DNA position 796, G replaced by A.
Protein change: p.Ala266Thr; replaces alanine 266 with threonine.
Molecular consequence: missense variant.
Genome position (GRCh38, 1-based): chr2:178,432,243, C>T on the plus strand (G>A on the coding strand, the complement: PRKRA is on the minus strand). VCF-style: chr2-178432243-C-T. GRCh37 (hg19) VCF-style: chr2-179296970-C-T.
Other names: c.763G>A, p.Ala255Thr (NM_001139517.2); c.721G>A, p.Ala241Thr (NM_001139518.2); c.457G>A, p.Ala153Thr (NM_001316362.2); short protein forms A266T, A241T, A153T, A255T.
Identifiers: ClinVar variation 893004 (VCV000893004.13), dbSNP rs148050153, ClinGen allele CA1983708.
Genomic context (GRCh38, chr2:178,432,243, plus strand): 5'-CATGACAGACTGTGATGGGGCTGGTGGACAGTTCAGCAAGACATTGATATTGTCCATTGG[C>T]GCTCAGTTCATCTGTAATGACACATTCAAGGATGACGATTAATGTCCAATATGTATAAAG-3'
Protein context (NP_003681.1, residues 256-276): ITYLDIDELS[Ala266Thr]NGQYQCLAEL